The following is an entry in ClinVar:

NM_004958.4(MTOR):c.6821A>C (p.Asp2274Ala)

Gene: MTOR (mechanistic target of rapamycin kinase; minus strand). Cytogenetic location: 1p36.22.
Variant type: single nucleotide variant.
Coding change: c.6821A>C on transcript NM_004958.4 (MANE Select); coding-DNA position 6821, A replaced by C.
Protein change: p.Asp2274Ala; replaces aspartic acid 2274 with alanine.
Molecular consequence: missense variant.
Genome position (GRCh38, 1-based): chr1:11,121,358, T>G on the plus strand (A>C on the coding strand, the complement: MTOR is on the minus strand). VCF-style: chr1-11121358-T-G. GRCh37 (hg19) VCF-style: chr1-11181415-T-G.
Other names: c.6821A>C, p.Asp2274Ala (NM_001386500.1); c.5573A>C, p.Asp1858Ala (NM_001386501.1); short protein forms D1858A, D2274A.
Identifiers: ClinVar variation 4799825 (VCV004799825.1).

ClinVar aggregate classification (germline): Uncertain significance (1 of 4 stars; one submission).

Submission:

Labcorp Genetics (formerly Invitae), Labcorp
Classification: Uncertain significance. Last evaluated: 2026-01-11. Review status: criteria provided, single submitter. Criteria: Invitae Variant Classification Sherloc (09022015). Collection method: clinical testing. Allele origin: germline.
Comment: This sequence change replaces aspartic acid, which is acidic and polar, with alanine, which is neutral and non-polar, at codon 2274 of the MTOR protein (p.Asp2274Ala). This variant is not present in population databases (gnomAD no frequency). This variant has not been reported in the literature in individuals affected with MTOR-related conditions. Invitae Evidence Modeling of protein sequence and biophysical properties (such as structural, functional, and spatial information, amino acid conservation, physicochemical variation, residue mobility, and thermodynamic stability) indicates that this missense variant is not expected to disrupt MTOR protein function with a negative predictive value of 95%. In summary, the available evidence is currently insufficient to determine the role of this variant in disease. Therefore, it has been classified as a Variant of Uncertain Significance.